The following is an entry in ClinVar:

NM_052939.4(FCRL3):c.935C>A (p.Ala312Asp)

Genes: FCRL3 (Fc receptor like 3; minus strand), FCRL3-AS1 (FCRL3 antisense RNA 1; plus strand). Cytogenetic location: 1q23.1.
Variant type: single nucleotide variant.
Coding change: c.935C>A on transcript NM_052939.4 (MANE Select); coding-DNA position 935, C replaced by A.
Protein change: p.Ala312Asp; replaces alanine 312 with aspartic acid.
Molecular consequence: missense variant. On other transcripts: non-coding transcript variant (4).
Genome position (GRCh38, 1-based): chr1:157,696,237, G>T on the plus strand (C>A on the coding strand, the complement: FCRL3 is on the minus strand). VCF-style: chr1-157696237-G-T. GRCh37 (hg19) VCF-style: chr1-157666027-G-T.
Other names: c.935C>A, p.Ala312Asp (NM_001320333.2); short protein forms A312D.
Identifiers: ClinVar variation 3024728 (VCV003024728.22), dbSNP rs115903952, ClinGen allele CA1175503.

ClinVar aggregate classification (germline): Likely benign (1 of 4 stars; one submission).

Allele frequency attached by ClinVar (database versions not stated): 1000 Genomes Project 30x 0.00265; 1000 Genomes Project 0.00280; ExAC 0.00480; ESP Exome Variant Server 0.00615.
gnomAD v4.1: 11,819 of 1,613,912 alleles (0.73%); highest among the groups gnomAD compares: Non-Finnish European, 0.85%; 58 homozygotes.

Submission:

CeGaT Center for Human Genetics Tuebingen
Classification: Likely benign. Last evaluated: 2023-12-01. Review status: criteria provided, single submitter. Criteria: CeGaT Center For Human Genetics Tuebingen Variant Classification Criteria Version 2. Collection method: clinical testing. Allele origin: germline. Affected: yes. Observed: 1 variant allele.
Comment: FCRL3: BP4, BS2